The following is an entry in ClinVar:

NM_013382.7(POMT2):c.1007-346G>A

Gene: POMT2 (protein O-mannosyltransferase 2; minus strand). Cytogenetic location: 14q24.3.
Variant type: single nucleotide variant.
Coding change: c.1007-346G>A on transcript NM_013382.7 (MANE Select); 346 bases into the intron before coding-DNA position 1007, G replaced by A.
Molecular consequence: intron variant.
Genome position (GRCh38, 1-based): chr14:77,296,619, C>T on the plus strand (G>A on the coding strand, the complement: POMT2 is on the minus strand). VCF-style: chr14-77296619-C-T. GRCh37 (hg19) VCF-style: chr14-77762962-C-T.
Identifiers: ClinVar variation 668937 (VCV000668937.1), dbSNP rs75809249, ClinGen allele CA14055124.
Genomic context (GRCh38, chr14:77,296,619, plus strand): 5'-GTCCTTCTCAAGGTCTCCACATGGATTCAATGGAATAAAGAAGGAAGTATCTTCTGTCTT[C>T]GCCTGGAATGTTCTCCAAGATACAGCATTTTGACAAACCATTTTTTTCACTCTATATCCT-3'

ClinVar aggregate classification (germline): Benign (1 of 4 stars; one submission).

Allele frequency attached by ClinVar (database versions not stated): 1000 Genomes Project 30x 0.04294; 1000 Genomes Project 0.04313; TOPMed 0.05106; gnomAD 0.05373; gnomAD exomes 0.06450.
gnomAD v4.1: 18,845 of 315,874 alleles (6%); highest among the groups gnomAD compares: South Asian, 7.5%; 687 homozygotes.

Submission:

GeneDx
Classification: Benign. Last evaluated: 2018-06-19. Review status: criteria provided, single submitter. Criteria: GeneDx Variant Classification (06012015). Collection method: clinical testing. Allele origin: germline. Affected: yes.
Comment: This variant is considered likely benign or benign based on one or more of the following criteria: it is a conservative change, it occurs at a poorly conserved position in the protein, it is predicted to be benign by multiple in silico algorithms, and/or has population frequency not consistent with disease.